The following is an entry in ClinVar:

ClinVar aggregate classification (germline): Uncertain significance (1 of 4 stars; one submission).

Conditions:
Aicardi-Goutieres syndrome 7 (AGS7). Identifiers: Orphanet 51, MedGen C3888244, MONDO:0014367, OMIM 615846.
Singleton-Merten syndrome 1 (SGMRT1). Also called: Widened medullary cavities of bone, aortic calcification, abnormal dentition, and muscular weakness; Syndrome of widened medullary cavities of the metacarpals and phalanges, aortic calcification and abnormal dentition. Identifiers: Orphanet 85191, MedGen C4225427, MONDO:0024535, OMIM 182250.

Allele frequency attached by ClinVar (database versions not stated): gnomAD exomes below 0.00001 and 0.00001; TOPMed below 0.00001; gnomAD 0.00001.

Submission:

Labcorp Genetics (formerly Invitae), Labcorp
Classification: Uncertain significance for Aicardi-Goutieres syndrome 7; Singleton-Merten syndrome 1. Last evaluated: 2024-10-17. Review status: criteria provided, single submitter. Criteria: Invitae Variant Classification Sherloc (09022015). Collection method: clinical testing. Allele origin: germline.
Comment: This sequence change replaces cysteine, which is neutral and slightly polar, with tyrosine, which is neutral and polar, at codon 202 of the IFIH1 protein (p.Cys202Tyr). This variant is present in population databases (no rsID available, gnomAD 0.003%). This variant has not been reported in the literature in individuals affected with IFIH1-related conditions. ClinVar contains an entry for this variant (Variation ID: 1525347). An algorithm developed to predict the effect of missense changes on protein structure and function outputs the following: PolyPhen-2: "Benign". The tyrosine amino acid residue is found in multiple mammalian species, which suggests that this missense change does not adversely affect protein function. In summary, the available evidence is currently insufficient to determine the role of this variant in disease. Therefore, it has been classified as a Variant of Uncertain Significance.

NM_022168.4(IFIH1):c.605G>A (p.Cys202Tyr)

Gene: IFIH1 (interferon induced with helicase C domain 1; minus strand). Cytogenetic location: 2q24.2.
Variant type: single nucleotide variant.
Coding change: c.605G>A on transcript NM_022168.4 (MANE Select); coding-DNA position 605, G replaced by A.
Protein change: p.Cys202Tyr; replaces cysteine 202 with tyrosine.
Molecular consequence: missense variant.
Genome position (GRCh38, 1-based): chr2:162,310,782, C>T on the plus strand (G>A on the coding strand, the complement: IFIH1 is on the minus strand). VCF-style: chr2-162310782-C-T. GRCh37 (hg19) VCF-style: chr2-163167292-C-T.
Other names: short protein forms C202Y.
Identifiers: ClinVar variation 1525347 (VCV001525347.6), dbSNP rs1332221584, ClinGen allele CA349010597.